The following is an entry in ClinVar:

ClinVar aggregate classification (germline): Uncertain significance (1 of 4 stars; one submission).

Submission:

GeneDx
Classification: Uncertain significance. Last evaluated: 2024-07-15. Review status: criteria provided, single submitter. Criteria: GeneDx Variant Classification Process June 2021. Collection method: clinical testing. Allele origin: germline. Affected: yes.
Comment: Not observed at significant frequency in large population cohorts (gnomAD); In silico analysis supports that this missense variant has a deleterious effect on protein structure/function; Has not been previously published as pathogenic or benign to our knowledge

NM_004818.3(DDX23):c.2452A>T (p.Ile818Phe)

Gene: DDX23 (DEAD-box helicase 23; minus strand). Cytogenetic location: 12q13.12.
Variant type: single nucleotide variant.
Coding change: c.2452A>T on transcript NM_004818.3 (MANE Select); coding-DNA position 2452, A replaced by T.
Protein change: p.Ile818Phe; replaces isoleucine 818 with phenylalanine.
Molecular consequence: missense variant.
Genome position (GRCh38, 1-based): chr12:48,830,480, T>A on the plus strand (A>T on the coding strand, the complement: DDX23 is on the minus strand). VCF-style: chr12-48830480-T-A. GRCh37 (hg19) VCF-style: chr12-49224263-T-A.
Other names: short protein forms I818F.
Identifiers: ClinVar variation 3573817 (VCV003573817.1).